The following is an entry in ClinVar:

ClinVar aggregate classification (germline): Likely benign (0 of 4 stars; one submission).

Conditions:
KDM3A-related disorder. Also called: KDM3A-related condition.

Allele frequency attached by ClinVar (database versions not stated): gnomAD exomes 0.00006; gnomAD 0.00009; TOPMed 0.00014; ExAC 0.00019; 1000 Genomes Project 0.00060; 1000 Genomes Project 30x 0.00062.
gnomAD v4.1: 99 of 1,613,958 alleles (0.0061%); highest among the groups gnomAD compares: East Asian, 0.2%; no homozygotes.

Submission:

PreventionGenetics, part of Exact Sciences
Classification: Likely benign for KDM3A-related condition. Last evaluated: 2019-03-21. Review status: no assertion criteria provided. Collection method: clinical testing. Allele origin: germline.
Comment: This variant is classified as likely benign based on ACMG/AMP sequence variant interpretation guidelines (Richards et al. 2015 PMID: 25741868, with internal and published modifications).

NM_018433.6(KDM3A):c.275A>G (p.His92Arg)

Gene: KDM3A (lysine demethylase 3A; plus strand). Cytogenetic location: 2p11.2.
Variant type: single nucleotide variant.
Coding change: c.275A>G on transcript NM_018433.6 (MANE Select); coding-DNA position 275, A replaced by G.
Protein change: p.His92Arg; replaces histidine 92 with arginine.
Molecular consequence: missense variant.
Genome position (GRCh38, 1-based): chr2:86,449,895, A>G. VCF-style: chr2-86449895-A-G. GRCh37 (hg19) VCF-style: chr2-86677018-A-G.
Other names: c.275A>G, p.His92Arg (NM_001146688.2); short protein forms H92R.
Identifiers: ClinVar variation 3058678 (VCV003058678.2), dbSNP rs201066011, ClinGen allele CA1748983.